The following is an entry in ClinVar:

NM_138694.4(PKHD1):c.11780del (p.Gly3927fs)

Gene: PKHD1 (PKHD1 ciliary IPT domain containing fibrocystin/polyductin; minus strand). Cytogenetic location: 6p12.3.
Variant type: Deletion.
Coding change: c.11780del on transcript NM_138694.4 (MANE Select); coding-DNA position 11780, one base deleted (G; older notation c.11780delG).
Protein change: p.Gly3927fs; shifts the reading frame from glycine 3927.
Molecular consequence: frameshift variant.
Genome position (GRCh38, 1-based): chr6:51,627,002, C deleted on the plus strand (G on the coding strand, the reverse complement: PKHD1 is on the minus strand); the first of 3 consecutive C bases (chr6:51,627,002-51,627,004); deleting any one gives the same sequence. VCF-style (leftmost placement, unchanged base first): chr6-51627001-TC-T. GRCh37 (hg19) VCF-style: chr6-51491799-TC-T.
Other names: short protein forms G3927fs.
Identifiers: ClinVar variation 5004191 (VCV005004191.1).

ClinVar aggregate classification (germline): Pathogenic (1 of 4 stars; one submission).

Conditions:
Polycystic kidney disease 4 (PKD4). Also called: POLYCYSTIC KIDNEY AND HEPATIC DISEASE 1; POLYCYSTIC KIDNEY DISEASE, INFANTILE, TYPE I; PKD3; Autosomal Recessive Polycystic Kidney Disease – PKHD1; POLYCYSTIC KIDNEY DISEASE 4 WITH OR WITHOUT POLYCYSTIC LIVER DISEASE. Identifiers: MedGen C4540575, MONDO:0033004, OMIM 263200.

Submission:

Myriad Genetics, Inc.
Classification: Pathogenic for Polycystic kidney disease 4. Last evaluated: 2026-06-15. Review status: criteria provided, single submitter. Criteria: Myriad Autosomal Dominant, Autosomal Recessive and X-Linked Classification Criteria (2023). Collection method: clinical testing. Allele origin: unknown.
Comment: NM_138694.3(PKHD1):c.11780delG(G3927Efs*4) is a frameshift variant classified as pathogenic in the context of autosomal recessive polycystic kidney disease, PKHD1-related. G3927Efs*4 has not been observed in cases with relevant disease. Relevant functional assessments of this variant are not available in the literature. G3927Efs*4 has not been observed in referenced population frequency databases. In summary, NM_138694.3(PKHD1):c.11780delG(G3927Efs*4) is a frameshift variant in a gene where loss of function is a known mechanism of disease and is predicted to disrupt protein function. Please note: this variant was assessed in the context of healthy population screening.